The following is an entry in ClinVar:

NM_000834.5(GRIN2B):c.807G>A (p.Val269=)

Gene: GRIN2B (glutamate ionotropic receptor NMDA type subunit 2B; minus strand). Cytogenetic location: 12p13.1.
Variant type: single nucleotide variant.
Coding change: c.807G>A on transcript NM_000834.5 (MANE Select); coding-DNA position 807, G replaced by A.
Protein change: p.Val269=; no amino-acid change (valine 269 retained).
Molecular consequence: synonymous variant.
Genome position (GRCh38, 1-based): chr12:13,753,520, C>T on the plus strand (G>A on the coding strand, the complement: GRIN2B is on the minus strand). VCF-style: chr12-13753520-C-T. GRCh37 (hg19) VCF-style: chr12-13906454-C-T.
Other names: c.807G>A (NM_000834.3).
Identifiers: ClinVar variation 1135952 (VCV001135952.11), dbSNP rs61754644, ClinGen allele CA233115830.

ClinVar aggregate classification (germline): Likely benign. Review status: criteria provided, multiple submitters, no conflicts (2 of 4 stars). 3 submissions from 3 submitters: Likely benign (2). 1 of the submissions does not count toward it. Last evaluated 2025-03-17.

Conditions:
Intellectual developmental disorder, autosomal dominant 6, with or without seizures. Also called: Intellectual disability, autosomal dominant 6; GRIN2B-related developmental delay, intellectual disability and autism spectrum disorder. Identifiers: Orphanet 589547, MedGen C3151411, MONDO:0013509, OMIM 613970.
Developmental and epileptic encephalopathy, 27 (DEE27). Also called: GRIN2B-Related Neurodevelopmental Disorder; Epileptic encephalopathy, early infantile, 27. Identifiers: Orphanet 3451, MedGen C4015316, MONDO:0014505, OMIM 616139.
GRIN2B-related disorder. Also called: GRIN2B-related condition.

Allele frequency attached by ClinVar (database versions not stated): gnomAD exomes below 0.00001.
gnomAD v4.1: 4 of 1,614,174 alleles (0.00025%); highest among the groups gnomAD compares: Non-Finnish European, 0.00034%; no homozygotes.

Submissions (3):

Labcorp Genetics (formerly Invitae), Labcorp
Classification: Likely benign for Developmental and epileptic encephalopathy, 27; Intellectual developmental disorder, autosomal dominant 6, with or without seizures. Last evaluated: 2025-03-17. Review status: criteria provided, single submitter. Criteria: Invitae Variant Classification Sherloc (09022015). Collection method: clinical testing. Allele origin: germline.

Blueprint Genetics
Classification: Likely benign. Last evaluated: 2024-09-19. Review status: criteria provided, single submitter. Criteria: ACMG Guidelines, 2015. Collection method: clinical testing. Allele origin: germline.

PreventionGenetics, part of Exact Sciences
Classification: Likely benign for GRIN2B-related condition. Last evaluated: 2024-03-15. Review status: no assertion criteria provided. Collection method: clinical testing. Allele origin: germline. Not counted in ClinVar's aggregate classification.
Comment: This variant is classified as likely benign based on ACMG/AMP sequence variant interpretation guidelines (Richards et al. 2015 PMID: 25741868, with internal and published modifications).